The following is an entry in ClinVar:

ClinVar aggregate classification (germline): Uncertain significance. Review status: criteria provided, multiple submitters, no conflicts (2 of 4 stars). 2 submissions from 2 submitters: Uncertain significance (2). Last evaluated 2022-05-11.

Conditions:
Inborn genetic diseases. Identifiers: MedGen C0950123, MeSH D030342.

Allele frequency attached by ClinVar (database versions not stated): gnomAD exomes below 0.00001.
gnomAD v4.1: 2 of 1,614,130 alleles (0.00012%); highest among the groups gnomAD compares: South Asian, 0.0011%; no homozygotes.

Submissions (2):

Ambry Genetics
Classification: Uncertain significance for Inborn genetic diseases. Last evaluated: 2022-05-11. Review status: criteria provided, single submitter. Criteria: Ambry Variant Classification Scheme 2023. Collection method: clinical testing. Allele origin: germline.

Labcorp Genetics (formerly Invitae), Labcorp
Classification: Uncertain significance. Last evaluated: 2021-12-03. Review status: criteria provided, single submitter. Criteria: Invitae Variant Classification Sherloc (09022015). Collection method: clinical testing. Allele origin: germline.
Comment: In summary, the available evidence is currently insufficient to determine the role of this variant in disease. Therefore, it has been classified as a Variant of Uncertain Significance. Advanced modeling of protein sequence and biophysical properties (such as structural, functional, and spatial information, amino acid conservation, physicochemical variation, residue mobility, and thermodynamic stability) performed at Invitae indicates that this missense variant is not expected to disrupt FBXL4 protein function. This variant has not been reported in the literature in individuals affected with FBXL4-related conditions. This variant is present in population databases (no rsID available, gnomAD 0.003%). This sequence change replaces histidine, which is basic and polar, with arginine, which is basic and polar, at codon 141 of the FBXL4 protein (p.His141Arg).

NM_001278716.2(FBXL4):c.422A>G (p.His141Arg)

Gene: FBXL4 (F-box and leucine rich repeat protein 4; minus strand). Cytogenetic location: 6q16.2.
Variant type: single nucleotide variant.
Coding change: c.422A>G on transcript NM_001278716.2 (MANE Select); coding-DNA position 422, A replaced by G.
Protein change: p.His141Arg; replaces histidine 141 with arginine.
Molecular consequence: missense variant. On other transcripts: non-coding transcript variant (2).
Genome position (GRCh38, 1-based): chr6:98,926,567, T>C on the plus strand (A>G on the coding strand, the complement: FBXL4 is on the minus strand). VCF-style: chr6-98926567-T-C. GRCh37 (hg19) VCF-style: chr6-99374443-T-C.
Other names: c.422A>G, p.His141Arg (NM_012160.5); short protein forms H141R.
Identifiers: ClinVar variation 2029976 (VCV002029976.5), dbSNP rs1176015508, ClinGen allele CA365088917.